The following is an entry in ClinVar:

NM_005334.3(HCFC1):c.3436G>A (p.Val1146Met)

Gene: HCFC1 (host cell factor C1; minus strand). Cytogenetic location: Xq28.
Variant type: single nucleotide variant.
Coding change: c.3436G>A on transcript NM_005334.3 (MANE Select); coding-DNA position 3436, G replaced by A.
Protein change: p.Val1146Met; replaces valine 1146 with methionine.
Molecular consequence: missense variant.
Genome position (GRCh38, 1-based): chrX:153,954,963, C>T on the plus strand (G>A on the coding strand, the complement: HCFC1 is on the minus strand). VCF-style: chrX-153954963-C-T. GRCh37 (hg19) VCF-style: chrX-153220414-C-T.
Other names: c.3436G>A, p.Val1146Met (NM_001410705.1, NM_001440843.1, NM_001440844.1 and 5 more transcripts); c.3238G>A, p.Val1080Met (NM_001440850.1, NM_001440851.1); short protein forms V1146M, V1080M.
Identifiers: ClinVar variation 4762957 (VCV004762957.1).
Genomic context (GRCh38, chrX:153,954,963, plus strand): 5'-ACTGGGACTTAGAGCCCTGGGCTGCCTCCAGCGCCCCAGTGGCCACACTGATCCGGATCA[C>T]GGCAGGGGTGCCAGCTGCACAGGCCCGACGGGCATCTCGCTGGTGGTTGGCGCCGACGCT-3'
Protein context (NP_005325.2, residues 1136-1156): RRACAAGTPA[Val1146Met]IRISVATGAL

ClinVar aggregate classification (germline): Uncertain significance (1 of 4 stars; one submission).

Conditions:
Methylmalonic acidemia with homocystinuria, type cblX (MAHCX). Also called: INTELLECTUAL DEVELOPMENTAL DISORDER, X-LINKED 3. Identifiers: Orphanet 369962, MedGen C0796208, MONDO:0010657, OMIM 309541.

gnomAD v4.1: 14 of 1,199,678 alleles (0.0012%); highest among the groups gnomAD compares: South Asian, 0.009%; no homozygotes.

Submission:

Labcorp Genetics (formerly Invitae), Labcorp
Classification: Uncertain significance for Methylmalonic acidemia with homocystinuria, type cblX. Last evaluated: 2025-10-07. Review status: criteria provided, single submitter. Criteria: Invitae Variant Classification Sherloc (09022015). Collection method: clinical testing. Allele origin: germline.
Comment: This sequence change replaces valine, which is neutral and non-polar, with methionine, which is neutral and non-polar, at codon 1146 of the HCFC1 protein (p.Val1146Met). The frequency data for this variant in the population databases is considered unreliable, as metrics indicate poor data quality at this position in the gnomAD database. This variant has not been reported in the literature in individuals affected with HCFC1-related conditions. An algorithm developed to predict the effect of missense changes on protein structure and function outputs the following: PolyPhen-2: "Benign". The methionine amino acid residue is found in multiple mammalian species, which suggests that this missense change does not adversely affect protein function. In summary, the available evidence is currently insufficient to determine the role of this variant in disease. Therefore, it has been classified as a Variant of Uncertain Significance.